The following is an entry in ClinVar:

NM_001367949.2(FAT3):c.720G>T (p.Leu240=)

Gene: FAT3 (FAT atypical cadherin 3; plus strand). Cytogenetic location: 11q14.3.
Variant type: single nucleotide variant.
Coding change: c.720G>T on transcript NM_001367949.2 (MANE Select); coding-DNA position 720, G replaced by T.
Protein change: p.Leu240=; no amino-acid change (leucine 240 retained).
Molecular consequence: synonymous variant.
Genome position (GRCh38, 1-based): chr11:92,352,832, G>T. VCF-style: chr11-92352832-G-T. GRCh37 (hg19) VCF-style: chr11-92085998-G-T.
Other names: c.720G>T, p.Leu240= (NM_001008781.3, NM_001378141.1).
Identifiers: ClinVar variation 3043240 (VCV003043240.2), dbSNP rs183973334, ClinGen allele CA6226150.
Genomic context (GRCh38, chr11:92,352,832, plus strand): 5'-TTATGATGAAAAGAATAGGTATGATCTGGAAATTTTGGCTGTGGACCGGGGAATGAAACT[G>T]TATGGGAACAATGGAGTGAGCAGTACTGCAAAGCTTTATGTTCACATTGAGCGCATAAAT-3'
Protein context (NP_001354878.1, residues 230-250): EILAVDRGMK[Leu240=]YGNNGVSSTA

ClinVar aggregate classification (germline): Likely benign (0 of 4 stars; one submission).

Conditions:
FAT3-related disorder. Also called: FAT3-related condition.

Allele frequency attached by ClinVar (database versions not stated): 1000 Genomes Project 0.00180; 1000 Genomes Project 30x 0.00203; ESP Exome Variant Server 0.00215; TOPMed 0.00240.
gnomAD v4.1: 577 of 1,613,960 alleles (0.036%); highest among the groups gnomAD compares: African/African-American, 0.69%; 5 homozygotes.

Submission:

PreventionGenetics, part of Exact Sciences
Classification: Likely benign for FAT3-related condition. Last evaluated: 2019-12-24. Review status: no assertion criteria provided. Collection method: clinical testing. Allele origin: germline.
Comment: This variant is classified as likely benign based on ACMG/AMP sequence variant interpretation guidelines (Richards et al. 2015 PMID: 25741868, with internal and published modifications).